The following is an entry in ClinVar:

ClinVar aggregate classification (germline): Uncertain significance. Review status: criteria provided, multiple submitters, no conflicts (2 of 4 stars). 2 submissions from 2 submitters: Uncertain significance (2). Last evaluated 2025-01-23.

Conditions:
Inborn genetic diseases. Identifiers: MedGen C0950123, MeSH D030342.

Allele frequency attached by ClinVar (database versions not stated): gnomAD 0.00001; TOPMed 0.00001; ExAC 0.00004.
gnomAD v4.1: 33 of 1,613,894 alleles (0.002%); highest among the groups gnomAD compares: Non-Finnish European, 0.0026%; no homozygotes.

Submissions (2):

Labcorp Genetics (formerly Invitae), Labcorp
Classification: Uncertain significance. Last evaluated: 2025-01-23. Review status: criteria provided, single submitter. Criteria: Invitae Variant Classification Sherloc (09022015). Collection method: clinical testing. Allele origin: germline.
Comment: This sequence change replaces isoleucine, which is neutral and non-polar, with threonine, which is neutral and polar, at codon 3256 of the MYO15A protein (p.Ile3256Thr). This variant is present in population databases (rs758768524, gnomAD 0.003%). This variant has not been reported in the literature in individuals affected with MYO15A-related conditions. ClinVar contains an entry for this variant (Variation ID: 2150337). Invitae Evidence Modeling of protein sequence and biophysical properties (such as structural, functional, and spatial information, amino acid conservation, physicochemical variation, residue mobility, and thermodynamic stability) indicates that this missense variant is not expected to disrupt MYO15A protein function with a negative predictive value of 95%. In summary, the available evidence is currently insufficient to determine the role of this variant in disease. Therefore, it has been classified as a Variant of Uncertain Significance.

Ambry Genetics
Classification: Uncertain significance for Inborn genetic diseases. Last evaluated: 2022-10-27. Review status: criteria provided, single submitter. Criteria: Ambry Variant Classification Scheme 2023. Collection method: clinical testing. Allele origin: germline.

NM_016239.4(MYO15A):c.9767T>C (p.Ile3256Thr)

Gene: MYO15A (myosin XVA; plus strand). Cytogenetic location: 17p11.2.
Variant type: single nucleotide variant.
Coding change: c.9767T>C on transcript NM_016239.4 (MANE Select); coding-DNA position 9767, T replaced by C.
Protein change: p.Ile3256Thr; replaces isoleucine 3256 with threonine.
Molecular consequence: missense variant.
Genome position (GRCh38, 1-based): chr17:18,163,818, T>C. VCF-style: chr17-18163818-T-C. GRCh37 (hg19) VCF-style: chr17-18067132-T-C.
Other names: c.9767T>C (NM_016239.3); short protein forms I3256T.
Identifiers: ClinVar variation 2150337 (VCV002150337.4), dbSNP rs758768524, ClinGen allele CA8425672.